The following is an entry in ClinVar:

ClinVar aggregate classification (germline): Uncertain significance (1 of 4 stars; one submission).

Submission:

Ambry Genetics
Classification: Uncertain significance. Last evaluated: 2024-06-22. Review status: criteria provided, single submitter. Criteria: Ambry Variant Classification Scheme 2023. Collection method: clinical testing. Allele origin: germline.
Comment: The p.D183H variant (also known as c.547G>C), located in coding exon 7 of the RAD54L gene, results from a G to C substitution at nucleotide position 547. The aspartic acid at codon 183 is replaced by histidine, an amino acid with similar properties. This amino acid position is conserved. In addition, this alteration is predicted to be deleterious by in silico analysis. Based on the available evidence, the clinical significance of this variant remains unclear.

NM_003579.4(RAD54L):c.547G>C (p.Asp183His)

Gene: RAD54L (RAD54 like; plus strand). Cytogenetic location: 1p34.1.
Variant type: single nucleotide variant.
Coding change: c.547G>C on transcript NM_003579.4 (MANE Select); coding-DNA position 547, G replaced by C.
Protein change: p.Asp183His; replaces aspartic acid 183 with histidine.
Molecular consequence: missense variant.
Genome position (GRCh38, 1-based): chr1:46,260,796, G>C. VCF-style: chr1-46260796-G-C. GRCh37 (hg19) VCF-style: chr1-46726468-G-C.
Other names: c.547G>C, p.Asp183His (NM_001142548.2); c.7G>C, p.Asp3His (NM_001370766.1); short protein forms D183H, D3H.
Identifiers: ClinVar variation 3312499 (VCV003312499.1).
Genomic context (GRCh38, chr1:46,260,796, plus strand): 5'-TTCCTGTGGGAGTGTGTCACCAGTCGGCGCATCCCTGGCAGCCATGGCTGCATCATGGCT[G>C]ATGAGATGGGCCTAGGAAAGACGCTGCAGTGCATCACATTGATGTGGACACTTTTACGCC-3'
Protein context (NP_003570.2, residues 173-193): IPGSHGCIMA[Asp183His]EMGLGKTLQC